The following is an entry in ClinVar:

NM_000459.5(TEK):c.1840C>T (p.Arg614Ter)

Gene: TEK (TEK receptor tyrosine kinase; plus strand). Cytogenetic location: 9p21.2.
Variant type: single nucleotide variant.
Coding change: c.1840C>T on transcript NM_000459.5 (MANE Select); coding-DNA position 1840, C replaced by T.
Protein change: p.Arg614Ter; replaces arginine 614 with a stop codon.
Molecular consequence: nonsense.
Genome position (GRCh38, 1-based): chr9:27,197,530, C>T. VCF-style: chr9-27197530-C-T. GRCh37 (hg19) VCF-style: chr9-27197528-C-T.
Other names: c.1711C>T, p.Arg571Ter (NM_001290077.2, NM_001375476.1); c.1399C>T, p.Arg467Ter (NM_001290078.2); c.1840C>T, p.Arg614Ter (NM_001375475.1); short protein forms R571*, R614*, R467*.
Identifiers: ClinVar variation 1956797 (VCV001956797.5), dbSNP rs1825073624, ClinGen allele CA373113702.

ClinVar aggregate classification (germline): Pathogenic (1 of 4 stars; one submission).

Allele frequency attached by ClinVar (database versions not stated): gnomAD exomes below 0.00001; gnomAD 0.00001.
gnomAD v4.1: 4 of 1,613,906 alleles (0.00025%); highest among the groups gnomAD compares: Admixed American, 0.0017%; no homozygotes.

Submission:

Labcorp Genetics (formerly Invitae), Labcorp
Classification: Pathogenic. Last evaluated: 2022-09-21. Review status: criteria provided, single submitter. Criteria: Invitae Variant Classification Sherloc (09022015). Collection method: clinical testing. Allele origin: germline.
Comment: For these reasons, this variant has been classified as Pathogenic. Algorithms developed to predict the effect of sequence changes on RNA splicing suggest that this variant may disrupt the consensus splice site. This variant has not been reported in the literature in individuals affected with TEK-related conditions. This variant is not present in population databases (gnomAD no frequency). This sequence change creates a premature translational stop signal (p.Arg614*) in the TEK gene. It is expected to result in an absent or disrupted protein product. Loss-of-function variants in TEK are known to be pathogenic (PMID: 27270174).

Literature cited by the submitters: PubMed 27270174.